The following is an entry in ClinVar:

NM_001080.3(ALDH5A1):c.1344-6T>C

Gene: ALDH5A1 (aldehyde dehydrogenase 5 family member A1; plus strand). Cytogenetic location: 6p22.3.
Variant type: single nucleotide variant.
Coding change: c.1344-6T>C on transcript NM_001080.3 (MANE Select); 6 bases into the intron before coding-DNA position 1344, T replaced by C.
Molecular consequence: intron variant.
Genome position (GRCh38, 1-based): chr6:24,532,113, T>C. VCF-style: chr6-24532113-T-C. GRCh37 (hg19) VCF-style: chr6-24532341-T-C.
Other names: p.?; c.1383-6T>C (NM_170740.1); c.1200-6T>C (NM_001368954.1).
Identifiers: ClinVar variation 356140 (VCV000356140.56), dbSNP rs368212282, ClinGen allele CA3656923.

ClinVar aggregate classification (germline): Conflicting classifications of pathogenicity. Review status: criteria provided, conflicting classifications (1 of 4 stars). 8 submissions from 8 submitters: Uncertain significance (2); Likely benign (5). 1 of the submissions does not count toward it. Last evaluated 2025-10-06.

Conditions:
Succinate-semialdehyde dehydrogenase deficiency (SSADHD). Also called: Succinic Semialdehyde Dehydrogenase Deficiency; GABA METABOLIC DEFECT; SSADH DEFICIENCY; 4-HYDROXYBUTYRIC ACIDURIA. Identifiers: Orphanet 22, MedGen C0268631, MONDO:0010083, OMIM 271980.
Intellectual disability. Also called: Intellectual functioning disability; Intellectual developmental disorder; intellectual disabilities. Identifiers: MedGen C3714756, MeSH D008607, MONDO:0001071, HP:0001249.

Allele frequency attached by ClinVar (database versions not stated): ExAC 0.00008; gnomAD exomes 0.00010 and 0.00021; ESP Exome Variant Server 0.00015; gnomAD 0.00019 and 0.00020; TOPMed 0.00019.
gnomAD v4.1: 330 of 1,613,990 alleles (0.02%); highest among the groups gnomAD compares: Non-Finnish European, 0.026%; no homozygotes.

Submissions (8):

Labcorp Genetics (formerly Invitae), Labcorp
Classification: Likely benign for Succinate-semialdehyde dehydrogenase deficiency. Last evaluated: 2025-10-06. Review status: criteria provided, single submitter. Criteria: Invitae Variant Classification Sherloc (09022015). Collection method: clinical testing. Allele origin: germline.

Mayo Clinic Laboratories, Mayo Clinic
Classification: Likely benign. Last evaluated: 2025-05-20. Review status: criteria provided, single submitter. Criteria: ACMG Guidelines, 2015. Collection method: clinical testing. Allele origin: germline. Observed: 2 variant alleles.
Comment: BP4, BP7

Blueprint Genetics
Classification: Likely benign. Last evaluated: 2024-08-22. Review status: criteria provided, single submitter. Criteria: ACMG Guidelines, 2015. Collection method: clinical testing. Allele origin: germline.

CeGaT Center for Human Genetics Tuebingen
Classification: Likely benign. Last evaluated: 2022-06-01. Review status: criteria provided, single submitter. Criteria: CeGaT Center For Human Genetics Tuebingen Variant Classification Criteria Version 2. Collection method: clinical testing. Allele origin: germline. Affected: yes. Observed: 1 variant allele.
Comment: ALDH5A1: BP4

GeneDx
Classification: Likely benign. Last evaluated: 2019-09-27. Review status: criteria provided, single submitter. Criteria: GeneDx Variant Classification Process June 2021. Collection method: clinical testing. Allele origin: germline. Affected: yes.

Illumina Laboratory Services, Illumina
Classification: Uncertain significance for Succinate-semialdehyde dehydrogenase deficiency. Last evaluated: 2018-01-13. Review status: criteria provided, single submitter. Criteria: ICSL Variant Classification Criteria 13 December 2019. Collection method: clinical testing. Allele origin: germline.

Genetic Services Laboratory, University of Chicago
Classification: Uncertain significance. Last evaluated: 2016-08-22. Review status: criteria provided, single submitter. Criteria: ACMG Guidelines, 2015. Collection method: clinical testing. Allele origin: germline. Affected: no.

Centre de Biologie Pathologie Génétique, Centre Hospitalier Universitaire de Lille
Classification: Uncertain significance for Intellectual disability. Last evaluated: 2019-01-01. Review status: no assertion criteria provided. Collection method: clinical testing. Allele origin: unknown. Affected: yes. Not counted in ClinVar's aggregate classification.